The following is an entry in ClinVar:

ClinVar aggregate classification (germline): Likely benign. Review status: criteria provided, single submitter (1 of 4 stars). 2 submissions from 2 submitters: Likely benign (1). 1 of the submissions does not count toward it. Last evaluated 2024-11-08.

Conditions:
TCF4-related disorder. Also called: TCF4-related condition.

Allele frequency attached by ClinVar (database versions not stated): gnomAD exomes 0.00003; gnomAD 0.00013; TOPMed 0.00013; ExAC 0.00016.
gnomAD v4.1: 58 of 1,536,184 alleles (0.0038%); highest among the groups gnomAD compares: African/African-American, 0.038%; 1 homozygote.

Submissions (2):

Blueprint Genetics
Classification: Likely benign. Last evaluated: 2024-11-08. Review status: criteria provided, single submitter. Criteria: ACMG Guidelines, 2015. Collection method: clinical testing. Allele origin: germline.

PreventionGenetics, part of Exact Sciences
Classification: Likely benign for TCF4-related condition. Last evaluated: 2023-07-07. Review status: no assertion criteria provided. Collection method: clinical testing. Allele origin: germline. Not counted in ClinVar's aggregate classification.
Comment: This variant is classified as likely benign based on ACMG/AMP sequence variant interpretation guidelines (Richards et al. 2015 PMID: 25741868, with internal and published modifications).

NM_001083962.2(TCF4):c.550-22790A>G

Gene: TCF4 (transcription factor 4; minus strand). Cytogenetic location: 18q21.2.
Variant type: single nucleotide variant.
Coding change: c.550-22790A>G on transcript NM_001083962.2 (MANE Select); 22790 bases into the intron before coding-DNA position 550, A replaced by G.
Molecular consequence: intron variant. On other transcripts: synonymous variant (2).
Genome position (GRCh38, 1-based): chr18:55,302,446, T>C on the plus strand (A>G on the coding strand, the complement: TCF4 is on the minus strand). VCF-style: chr18-55302446-T-C. GRCh37 (hg19) VCF-style: chr18-52969677-T-C.
Other names: c.39A>G, p.Leu13= (NM_001243236.2, NM_001348216.2); c.856-22790A>G (NM_001243226.3); c.475-22790A>G (NM_001369584.1, NM_001369576.1, NM_001369585.1 and 3 more transcripts); c.478-22790A>G (NM_001369577.1, NM_001369582.1, NM_001243227.2 and 9 more transcripts); c.550-22790A>G (NM_001369571.1, NM_001369567.1, NM_001369572.1 and 4 more transcripts); c.550-22772A>G (NM_001243228.2); c.544-22790A>G (NM_001243230.2); c.547-22790A>G (NM_001369569.1, NM_001369573.1, NM_001369570.1); and 5 more.
Identifiers: ClinVar variation 3036400 (VCV003036400.3), dbSNP rs778236138, ClinGen allele CA8970475.